The following is an entry in ClinVar:

NM_021956.5(GRIK2):c.2441C>T (p.Ala814Val)

Gene: GRIK2 (glutamate ionotropic receptor kainate type subunit 2; plus strand). Cytogenetic location: 6q16.3.
Variant type: single nucleotide variant.
Coding change: c.2441C>T on transcript NM_021956.5 (MANE Select); coding-DNA position 2441, C replaced by T.
Protein change: p.Ala814Val; replaces alanine 814 with valine.
Molecular consequence: missense variant.
Genome position (GRCh38, 1-based): chr6:102,055,459, C>T. VCF-style: chr6-102055459-C-T. GRCh37 (hg19) VCF-style: chr6-102503334-C-T.
Other names: c.2441C>T, p.Ala814Val (NM_001166247.1, NM_175768.3); short protein forms A814V.
Identifiers: ClinVar variation 1707768 (VCV001707768.2), dbSNP rs2485417143, ClinGen allele CA365311625.

ClinVar aggregate classification (germline): Uncertain significance (1 of 4 stars; one submission).

Submission:

GeneDx
Classification: Uncertain significance. Last evaluated: 2022-03-30. Review status: criteria provided, single submitter. Criteria: GeneDx Variant Classification Process June 2021. Collection method: clinical testing. Allele origin: germline. Affected: yes.
Comment: Not observed at significant frequency in large population cohorts (gnomAD); In silico analysis supports that this missense variant has a deleterious effect on protein structure/function; Has not been previously published as pathogenic or benign to our knowledge